The following is an entry in ClinVar:

ClinVar aggregate classification (germline): Uncertain significance (1 of 4 stars; one submission).

Submission:

Labcorp Genetics (formerly Invitae), Labcorp
Classification: Uncertain significance. Last evaluated: 2025-01-13. Review status: criteria provided, single submitter. Criteria: Invitae Variant Classification Sherloc (09022015). Collection method: clinical testing. Allele origin: germline.
Comment: This variant, c.7236_7241dup, results in the insertion of 2 amino acid(s) of the PCLO protein (p.Pro2425_Pro2426dup), but otherwise preserves the integrity of the reading frame. The frequency data for this variant in the population databases is considered unreliable, as metrics indicate poor data quality at this position in the gnomAD database. This variant has not been reported in the literature in individuals affected with PCLO-related conditions. Experimental studies and prediction algorithms are not available or were not evaluated, and the functional significance of this variant is currently unknown. In summary, the available evidence is currently insufficient to determine the role of this variant in disease. Therefore, it has been classified as a Variant of Uncertain Significance.

NM_033026.6(PCLO):c.7230CCCTCC[3] (p.Pro2425_Pro2426dup)

Gene: PCLO (piccolo presynaptic cytomatrix protein; minus strand). Cytogenetic location: 7q21.11.
Variant type: Microsatellite.
Coding change: c.7230CCCTCC[3] on transcript NM_033026.6 (MANE Select); three copies in a row of the 6-base unit CCCTCC starting at c.7230; the reference has two copies in a row; one copy, 6 bases duplicated.
Protein change: p.Pro2425_Pro2426dup.
Molecular consequence: inframe insertion.
Genome position (GRCh38, 1-based): chr7:82,953,712-82,953,717, GGAGGG duplicated on the plus strand (CCCTCC on the coding strand, the reverse complement: PCLO is on the minus strand); duplicating any 6 consecutive bases within chr7:82,953,712-82,953,728 gives the same sequence; the position shown is the placement nearest the transcript's 3' end. VCF-style (leftmost placement, unchanged base first): chr7-82953711-A-AGGAGGG. GRCh37 (hg19) VCF-style: chr7-82583027-A-AGGAGGG.
Other names: c.7230CCCTCC[3], p.Pro2425_Pro2426dup (NM_014510.3).
Identifiers: ClinVar variation 1484991 (VCV001484991.4), dbSNP rs749820836, ClinGen allele CA576266796.